The following is an entry in ClinVar:

ClinVar aggregate classification (germline): Uncertain significance (1 of 4 stars; one submission).

Conditions:
Familial meningioma. Also called: Meningioma, familial, susceptibility to. Identifiers: Orphanet 263662, MedGen C3551915, MONDO:0011789, OMIM 607174.

Submission:

Labcorp Genetics (formerly Invitae), Labcorp
Classification: Uncertain significance for Familial meningioma. Last evaluated: 2024-12-04. Review status: criteria provided, single submitter. Criteria: Invitae Variant Classification Sherloc (09022015). Collection method: clinical testing. Allele origin: germline.
Comment: This sequence change replaces glutamic acid, which is acidic and polar, with glutamine, which is neutral and polar, at codon 301 of the SMARCE1 protein (p.Glu301Gln). This variant is not present in population databases (gnomAD no frequency). This variant has not been reported in the literature in individuals affected with SMARCE1-related conditions. Invitae Evidence Modeling of protein sequence and biophysical properties (such as structural, functional, and spatial information, amino acid conservation, physicochemical variation, residue mobility, and thermodynamic stability) indicates that this missense variant is not expected to disrupt SMARCE1 protein function with a negative predictive value of 80%. In summary, the available evidence is currently insufficient to determine the role of this variant in disease. Therefore, it has been classified as a Variant of Uncertain Significance.

NM_003079.5(SMARCE1):c.901G>C (p.Glu301Gln)

Gene: SMARCE1 (SWI/SNF related BAF chromatin remodeling complex subunit E1; minus strand). Cytogenetic location: 17q21.2.
Variant type: single nucleotide variant.
Coding change: c.901G>C on transcript NM_003079.5 (MANE Select); coding-DNA position 901, G replaced by C.
Protein change: p.Glu301Gln; replaces glutamic acid 301 with glutamine.
Molecular consequence: missense variant.
Genome position (GRCh38, 1-based): chr17:40,630,840, C>G on the plus strand (G>C on the coding strand, the complement: SMARCE1 is on the minus strand). VCF-style: chr17-40630840-C-G. GRCh37 (hg19) VCF-style: chr17-38787092-C-G.
Other names: short protein forms E301Q.
Identifiers: ClinVar variation 3630672 (VCV003630672.2).
Genomic context (GRCh38, chr17:40,630,840, plus strand): 5'-CAGGAACGATGCTGCTCTGACTGCGCTCAGCTTGCTCTGCGGCCTCCTTCTCCCTTTCCT[C>G]CTGCCTTTTGCGGGCCTGTTCCTCTGCCTGTGCAATCTCAGCTGCAATTTTCTCCATATC-3'
Protein context (NP_003070.3, residues 291-311): QAEEQARKRQ[Glu301Gln]EREKEAAEQA